The following is an entry in ClinVar:

ClinVar aggregate classification (germline): Uncertain significance (1 of 4 stars; one submission).

Submission:

GeneDx
Classification: Uncertain significance. Last evaluated: 2022-05-24. Review status: criteria provided, single submitter. Criteria: GeneDx Variant Classification Process June 2021. Collection method: clinical testing. Allele origin: germline. Affected: yes.
Comment: Not observed at significant frequency in large population cohorts (gnomAD); In silico analysis supports that this missense variant has a deleterious effect on protein structure/function; Has not been previously published as pathogenic or benign to our knowledge

NM_016284.5(CNOT1):c.3430A>C (p.Asn1144His)

Gene: CNOT1 (CCR4-NOT transcription complex subunit 1; minus strand). Cytogenetic location: 16q21.
Variant type: single nucleotide variant.
Coding change: c.3430A>C on transcript NM_016284.5 (MANE Select); coding-DNA position 3430, A replaced by C.
Protein change: p.Asn1144His; replaces asparagine 1144 with histidine.
Molecular consequence: missense variant. On other transcripts: non-coding transcript variant (1).
Genome position (GRCh38, 1-based): chr16:58,549,811, T>G on the plus strand (A>C on the coding strand, the complement: CNOT1 is on the minus strand). VCF-style: chr16-58549811-T-G. GRCh37 (hg19) VCF-style: chr16-58583715-T-G.
Other names: c.3415A>C, p.Asn1139His (NM_001265612.2); c.3430A>C, p.Asn1144His (NM_206999.3); short protein forms N1139H, N1144H.
Identifiers: ClinVar variation 1801045 (VCV001801045.1), dbSNP rs2543928243, ClinGen allele CA396172094.